The following is an entry in ClinVar:

NM_013275.6(ANKRD11):c.6670G>T (p.Glu2224Ter)

Gene: ANKRD11 (ankyrin repeat domain 11; minus strand). Cytogenetic location: 16q24.3.
Variant type: single nucleotide variant.
Coding change: c.6670G>T on transcript NM_013275.6 (MANE Select); coding-DNA position 6670, G replaced by T.
Protein change: p.Glu2224Ter; replaces glutamic acid 2224 with a stop codon.
Molecular consequence: nonsense.
Genome position (GRCh38, 1-based): chr16:89,279,872, C>A on the plus strand (G>T on the coding strand, the complement: ANKRD11 is on the minus strand). VCF-style: chr16-89279872-C-A. GRCh37 (hg19) VCF-style: chr16-89346280-C-A.
Other names: c.6670G>T, p.Glu2224Ter (NM_001256182.2, NM_001256183.2); short protein forms E2224*.
Identifiers: ClinVar variation 434197 (VCV000434197.10), dbSNP rs1381957912, ClinGen allele CA397150251.

ClinVar aggregate classification (germline): Pathogenic. Review status: criteria provided, multiple submitters, no conflicts (2 of 4 stars). 2 submissions from 2 submitters: Pathogenic (2). Last evaluated 2024-06-03.

Conditions:
KBG syndrome (KBGS). Also called: ANKRD11-Related KBG Syndrome. Identifiers: Orphanet 2332, MedGen C0220687, MONDO:0007846, OMIM 148050.

Submissions (2):

Labcorp Genetics (formerly Invitae), Labcorp
Classification: Pathogenic for KBG syndrome. Last evaluated: 2024-06-03. Review status: criteria provided, single submitter. Criteria: Invitae Variant Classification Sherloc (09022015). Collection method: clinical testing. Allele origin: germline.
Comment: This sequence change creates a premature translational stop signal (p.Glu2224*) in the ANKRD11 gene. It is expected to result in an absent or disrupted protein product. Loss-of-function variants in ANKRD11 are known to be pathogenic (PMID: 21782149, 25125236, 25413698, 25652421). This variant is not present in population databases (gnomAD no frequency). This variant has not been reported in the literature in individuals affected with ANKRD11-related conditions. ClinVar contains an entry for this variant (Variation ID: 434197). For these reasons, this variant has been classified as Pathogenic.

Genetic Services Laboratory, University of Chicago
Classification: Pathogenic for KBG syndrome. Last evaluated: 2016-05-16. Review status: criteria provided, single submitter. Criteria: ACMG Guidelines, 2015. Collection method: clinical testing. Allele origin: germline. Affected: yes.

Literature cited by the submitters: PubMed 21782149 (cited by Labcorp Genetics (formerly Invitae), Labcorp); PubMed 25125236 (cited by Labcorp Genetics (formerly Invitae), Labcorp); PubMed 25413698 (cited by Labcorp Genetics (formerly Invitae), Labcorp); PubMed 25652421 (cited by Labcorp Genetics (formerly Invitae), Labcorp).